The following is an entry in ClinVar:

ClinVar aggregate classification (germline): Uncertain significance. Review status: criteria provided, multiple submitters, no conflicts (2 of 4 stars). 2 submissions from 2 submitters: Uncertain significance (2). Last evaluated 2024-06-09.

Conditions:
Hereditary cancer-predisposing syndrome. Also called: Hereditary Cancer Syndrome; Hereditary neoplastic syndrome; Neoplastic Syndromes, Hereditary; Tumor predisposition. Identifiers: Orphanet 140162, MedGen C0027672, MeSH D009386, MONDO:0015356.
Gastrointestinal stromal tumor. Also called: Gastrointestinal stroma tumor; Gastrointestinal stromal tumor, somatic. Identifiers: Orphanet 44890, MedGen C0238198, MeSH D046152, MONDO:0011719, OMIM 606764, HP:0100723.

Submissions (2):

Ambry Genetics
Classification: Uncertain significance for Hereditary cancer-predisposing syndrome. Last evaluated: 2024-06-09. Review status: criteria provided, single submitter. Criteria: Ambry Variant Classification Scheme 2023. Collection method: clinical testing. Allele origin: germline.
Comment: The p.A763T variant (also known as c.2287G>A), located in coding exon 16 of the KIT gene, results from a G to A substitution at nucleotide position 2287. The alanine at codon 763 is replaced by threonine, an amino acid with similar properties. This amino acid position is conserved. In addition, this alteration is predicted to be tolerated by in silico analysis. Based on the available evidence, the clinical significance of this variant remains unclear.

Labcorp Genetics (formerly Invitae), Labcorp
Classification: Uncertain significance for Gastrointestinal stromal tumor. Last evaluated: 2022-11-22. Review status: criteria provided, single submitter. Criteria: Invitae Variant Classification Sherloc (09022015). Collection method: clinical testing. Allele origin: germline.
Comment: In summary, the available evidence is currently insufficient to determine the role of this variant in disease. Therefore, it has been classified as a Variant of Uncertain Significance. Algorithms developed to predict the effect of missense changes on protein structure and function are either unavailable or do not agree on the potential impact of this missense change (SIFT: "Tolerated"; PolyPhen-2: "Probably Damaging"; Align-GVGD: "Class C0"). This variant has not been reported in the literature in individuals affected with KIT-related conditions. This variant is not present in population databases (gnomAD no frequency). This sequence change replaces alanine, which is neutral and non-polar, with threonine, which is neutral and polar, at codon 763 of the KIT protein (p.Ala763Thr).

NM_000222.3(KIT):c.2287G>A (p.Ala763Thr)

Gene: KIT (KIT proto-oncogene, receptor tyrosine kinase; plus strand). Cytogenetic location: 4q12.
Variant type: single nucleotide variant.
Coding change: c.2287G>A on transcript NM_000222.3 (MANE Select); coding-DNA position 2287, G replaced by A.
Protein change: p.Ala763Thr; replaces alanine 763 with threonine.
Molecular consequence: missense variant.
Genome position (GRCh38, 1-based): chr4:54,731,924, G>A. VCF-style: chr4-54731924-G-A. GRCh37 (hg19) VCF-style: chr4-55598090-G-A.
Other names: c.2275G>A, p.Ala759Thr (NM_001093772.2, NM_001385292.1); c.2290G>A, p.Ala764Thr (NM_001385284.1); c.2284G>A, p.Ala762Thr (NM_001385285.1); c.2272G>A, p.Ala758Thr (NM_001385286.1); c.2278G>A, p.Ala760Thr (NM_001385288.1); c.2287G>A, p.Ala763Thr (NM_001385290.1); short protein forms A760T, A762T, A763T, A758T, A759T, A764T.
Identifiers: ClinVar variation 2159663 (VCV002159663.5), dbSNP rs2109795445, ClinGen allele CA356910926.